The following is an entry in ClinVar:

NM_000057.4(BLM):c.2490G>A (p.Thr830=)

Gene: BLM (BLM RecQ like helicase; plus strand). Cytogenetic location: 15q26.1.
Variant type: single nucleotide variant.
Coding change: c.2490G>A on transcript NM_000057.4 (MANE Select); coding-DNA position 2490, G replaced by A.
Protein change: p.Thr830=; no amino-acid change (threonine 830 retained).
Molecular consequence: synonymous variant.
Genome position (GRCh38, 1-based): chr15:90,769,521, G>A. VCF-style: chr15-90769521-G-A. GRCh37 (hg19) VCF-style: chr15-91312751-G-A.
Other names: c.2490G>A, p.Thr830= (NM_001287246.2, NM_001287247.2); c.1365G>A, p.Thr455= (NM_001287248.2).
Identifiers: ClinVar variation 434512 (VCV000434512.27), dbSNP rs765233032, ClinGen allele CA7738790.

ClinVar aggregate classification (germline): Conflicting classifications of pathogenicity. Review status: criteria provided, conflicting classifications (1 of 4 stars). 7 submissions from 7 submitters: Uncertain significance (4); Likely benign (3). Last evaluated 2025-11-23.

Conditions:
Hereditary cancer-predisposing syndrome. Also called: Hereditary neoplastic syndrome; Tumor predisposition; Hereditary Cancer Syndrome; Neoplastic Syndromes, Hereditary. Identifiers: Orphanet 140162, MedGen C0027672, MeSH D009386, MONDO:0015356.
Bloom syndrome (BLM). Also called: Bloom-Torre-Machacek syndrome. Identifiers: Orphanet 125, MedGen C0005859, MONDO:0008876, OMIM 210900.

Allele frequency attached by ClinVar (database versions not stated): gnomAD 0.00001; gnomAD exomes 0.00001 and 0.00002; TOPMed 0.00001; ExAC 0.00002.
gnomAD v4.1: 21 of 1,613,654 alleles (0.0013%); highest among the groups gnomAD compares: East Asian, 0.011%; no homozygotes.

Submissions (7):

Labcorp Genetics (formerly Invitae), Labcorp
Classification: Likely benign for Bloom syndrome. Last evaluated: 2025-11-23. Review status: criteria provided, single submitter. Criteria: Invitae Variant Classification Sherloc (09022015). Collection method: clinical testing. Allele origin: germline.

CeGaT Center for Human Genetics Tuebingen
Classification: Likely benign. Last evaluated: 2025-11-01. Review status: criteria provided, single submitter. Criteria: CeGaT Center For Human Genetics Tuebingen Variant Classification Criteria Version 2. Collection method: clinical testing. Allele origin: germline. Affected: yes. Observed: 1 variant allele.
Comment: BLM: BP4, BP7

Quest Diagnostics Nichols Institute San Juan Capistrano
Classification: Uncertain significance. Last evaluated: 2025-03-07. Review status: criteria provided, single submitter. Criteria: Quest Diagnostics criteria. Collection method: clinical testing. Allele origin: unknown.
Comment: The BLM c.2490G>A (p.Thr830=) synonymous variant has not been reported in individuals with BLM-related conditions in the published literature. The frequency of this variant in the general population (Genome Aggregation Database) is uninformative in the assessment of its pathogenicity. Analysis of this variant using software algorithms for the prediction of the effect of nucleotide changes on BLM mRNA splicing yielded predictions that this variant may result in the gain of a cryptic splice site without affecting the natural splice sites. Based on the available information, we are unable to determine the clinical significance of this variant.

Women's Health and Genetics/Laboratory Corporation of America, LabCorp
Classification: Uncertain significance. Last evaluated: 2019-03-28. Review status: criteria provided, single submitter. Criteria: LabCorp Variant Classification Summary - May 2015. Collection method: clinical testing. Allele origin: germline.
Comment: Variant summary: BLM c.2490G>A alters a non-conserved nucleotide resulting in a synonymous change. Several computational tools predict a significant impact on normal splicing: Three predict the variant creates a cryptic 3' acceptor site. However, these predictions have yet to be confirmed by functional studies. The variant allele was found at a frequency of 2.8e-05 in 246206 control chromosomes (gnomAD). The available data on variant occurrences in the general population are insufficient to allow any conclusion about variant significance. To our knowledge, no occurrence of c.2490G>A in individuals affected with Bloom Syndrome and no experimental evidence demonstrating its impact on protein function have been reported. Two clinical diagnostic laboratories have submitted clinical-significance assessments for this variant to ClinVar after 2014 without evidence for independent evaluation. All laboratories classified the variant as uncertain significance. Based on the evidence outlined above, the variant was classified as uncertain significance.

Ambry Genetics
Classification: Likely benign for Hereditary cancer-predisposing syndrome. Last evaluated: 2018-11-06. Review status: criteria provided, single submitter. Criteria: Ambry Variant Classification Scheme 2023. Collection method: clinical testing. Allele origin: germline.

Illumina Laboratory Services, Illumina
Classification: Uncertain significance for Bloom syndrome. Last evaluated: 2018-01-13. Review status: criteria provided, single submitter. Criteria: ICSL Variant Classification Criteria 13 December 2019. Collection method: clinical testing. Allele origin: germline.

Genetic Services Laboratory, University of Chicago
Classification: Uncertain significance. Last evaluated: 2016-06-21. Review status: criteria provided, single submitter. Criteria: ACMG Guidelines, 2015. Collection method: clinical testing. Allele origin: germline. Affected: no.